The following is an entry in ClinVar:

NC_000019.9:g.(?_42363988)_(42364925_?)del

Gene: RPS19 (ribosomal protein S19; plus strand). Cytogenetic location: 19q13.2.
Variant type: Deletion.
Identifiers: ClinVar variation 2423481 (VCV002423481.10).

ClinVar aggregate classification (germline): Pathogenic (1 of 4 stars; one submission).

Conditions:
Diamond-Blackfan anemia. Also called: Blackfan Diamond syndrome; Aregenerative anemia chronic congenital; Red cell aplasia, pure hereditary; Congenital hypoplastic anemia; Aase syndrome. Identifiers: Orphanet 124, MedGen C1260899, MeSH D029503, MONDO:0015253, HP:0004810.

Submission:

Labcorp Genetics (formerly Invitae), Labcorp
Classification: Pathogenic for Diamond-Blackfan anemia. Last evaluated: 2021-10-25. Review status: criteria provided, single submitter. Criteria: Invitae Variant Classification Sherloc (09022015). Collection method: clinical testing. Allele origin: germline.
Comment: For these reasons, this variant has been classified as Pathogenic. This variant has not been reported in the literature in individuals affected with RPS19-related conditions. This variant is a gross deletion of the genomic region encompassing exon(s) 1-2 of the RPS19 gene, which includes the initiator codon. This deletion extends beyond the assayed region for this gene and therefore may encompass additional genes. It is expected to result in an absent or disrupted protein product. Loss-of-function variants in RPS19 are known to be pathogenic (PMID: 20960466).

Literature cited by the submitters: PubMed 20960466.